The following is an entry in ClinVar:

ClinVar aggregate classification (germline): Pathogenic (1 of 4 stars; one submission).

Conditions:
EPHB4-related disorder. Also called: EPHB4-related disorders; EPHB4-related condition.

Submission:

PreventionGenetics, part of Exact Sciences
Classification: Pathogenic for EPHB4-related condition. Last evaluated: 2023-09-26. Review status: criteria provided, single submitter. Criteria: ACMG Guidelines, 2015. Collection method: clinical testing. Allele origin: germline.
Comment: The EPHB4 c.924C>G variant is predicted to result in premature protein termination (p.Tyr308*). To our knowledge, this variant has not been reported in the literature or in a large population database, indicating this variant is rare. Nonsense variants in EPHB4 are expected to be pathogenic. This variant is interpreted as pathogenic.

NM_004444.5(EPHB4):c.924C>G (p.Tyr308Ter)

Gene: EPHB4 (EPH receptor B4; minus strand). Cytogenetic location: 7q22.1.
Variant type: single nucleotide variant.
Coding change: c.924C>G on transcript NM_004444.5 (MANE Select); coding-DNA position 924, C replaced by G.
Protein change: p.Tyr308Ter; replaces tyrosine 308 with a stop codon.
Molecular consequence: nonsense.
Genome position (GRCh38, 1-based): chr7:100,820,181, G>C on the plus strand (C>G on the coding strand, the complement: EPHB4 is on the minus strand). VCF-style: chr7-100820181-G-C. GRCh37 (hg19) VCF-style: chr7-100417803-G-C.
Other names: short protein forms Y308*.
Identifiers: ClinVar variation 2630732 (VCV002630732.1), dbSNP rs780186346, ClinGen allele CA368577495.